The following is an entry in ClinVar:

NM_001378778.1(MPDZ):c.3022A>G (p.Thr1008Ala)

Gene: MPDZ (multiple PDZ domain crumbs cell polarity complex component; minus strand). Cytogenetic location: 9p23.
Variant type: single nucleotide variant.
Coding change: c.3022A>G on transcript NM_001378778.1 (MANE Select); coding-DNA position 3022, A replaced by G.
Protein change: p.Thr1008Ala; replaces threonine 1008 with alanine.
Molecular consequence: missense variant.
Genome position (GRCh38, 1-based): chr9:13,175,785, T>C on the plus strand (A>G on the coding strand, the complement: MPDZ is on the minus strand). VCF-style: chr9-13175785-T-C. GRCh37 (hg19) VCF-style: chr9-13175784-T-C.
Other names: c.3022A>G, p.Thr1008Ala (NM_001261406.2, NM_001261407.2, NM_001330637.2 and 14 more transcripts); short protein forms T1008A.
Identifiers: ClinVar variation 1506392 (VCV001506392.6), dbSNP rs200092543, ClinGen allele CA4987296.

ClinVar aggregate classification (germline): Uncertain significance (1 of 4 stars; one submission).

Allele frequency attached by ClinVar (database versions not stated): gnomAD 0.00001 and 0.00003; TOPMed 0.00001; gnomAD exomes 0.00004 and 0.00006; ExAC 0.00011; 1000 Genomes Project 30x 0.00031; 1000 Genomes Project 0.00040.
gnomAD v4.1: 86 of 1,572,786 alleles (0.0055%); highest among the groups gnomAD compares: East Asian, 0.19%; 2 homozygotes.

Submission:

Labcorp Genetics (formerly Invitae), Labcorp
Classification: Uncertain significance. Last evaluated: 2022-09-06. Review status: criteria provided, single submitter. Criteria: Invitae Variant Classification Sherloc (09022015). Collection method: clinical testing. Allele origin: germline.
Comment: This variant has not been reported in the literature in individuals affected with MPDZ-related conditions. In summary, the available evidence is currently insufficient to determine the role of this variant in disease. Therefore, it has been classified as a Variant of Uncertain Significance. Algorithms developed to predict the effect of missense changes on protein structure and function (SIFT, PolyPhen-2, Align-GVGD) all suggest that this variant is likely to be disruptive. ClinVar contains an entry for this variant (Variation ID: 1506392). This variant is present in population databases (rs200092543, gnomAD 0.02%). This sequence change replaces threonine, which is neutral and polar, with alanine, which is neutral and non-polar, at codon 1008 of the MPDZ protein (p.Thr1008Ala).